The following is an entry in ClinVar:

ClinVar aggregate classification (germline): Likely pathogenic (1 of 4 stars; one submission).

Conditions:
MHC class II deficiency. Also called: Bare lymphocyte syndrome 2; BLS, TYPE II. Identifiers: Orphanet 572, MedGen C5447452, MONDO:0008855.

Submission:

Foundation for Research in Genetics and Endocrinology, FRIGE's Institute of Human Genetics
Classification: Likely pathogenic for MHC class II deficiency 1. Last evaluated: 2023-05-04. Review status: criteria provided, single submitter. Criteria: ACMG Guidelines, 2015. Collection method: clinical testing. Allele origin: germline. Inheritance: Autosomal recessive inheritance. Affected: yes. Observed: 1 homozygote.
Comment: The identified homozygous variant (c.564+2T>C) lies in the essential splice donor site, in intron 7 of the RFXANK gene. The variant has not been reported in the 1000Genomes and gnomAD databases. In summary, the variant meets our criteria to be classified as likely pathogenic.

NM_003721.4(RFXANK):c.564+2T>C

Gene: RFXANK (regulatory factor X associated ankyrin containing protein; plus strand). Cytogenetic location: 19p13.11.
Variant type: single nucleotide variant.
Coding change: c.564+2T>C on transcript NM_003721.4 (MANE Select); the canonical splice donor site of the intron after coding-DNA position 564, T replaced by C.
Molecular consequence: splice donor variant.
Genome position (GRCh38, 1-based): chr19:19,198,234, T>C. VCF-style: chr19-19198234-T-C. GRCh37 (hg19) VCF-style: chr19-19309043-T-C.
Other names: c.498+2T>C (NM_001278727.2, NM_001370234.1); c.495+2T>C (NM_134440.3, NM_001278728.2); c.561+2T>C (NM_001370235.1, NM_001370237.1, NM_001370236.1); c.564+2T>C (NM_001370238.1, NM_001370233.1).
Identifiers: ClinVar variation 2501290 (VCV002501290.2), dbSNP rs1599784393, ClinGen allele CA404896482.